The following is an entry in ClinVar:

NM_031935.3(HMCN1):c.16032ACA[1] (p.Gln5345del)

Gene: HMCN1 (hemicentin 1; plus strand). Cytogenetic location: 1q31.1.
Variant type: Microsatellite.
Coding change: c.16032ACA[1] on transcript NM_031935.3 (MANE Select); one copy of the 3-base unit ACA starting at c.16032; the reference has two copies in a row; one copy, 3 bases deleted.
Protein change: p.Gln5345del; deletes glutamine 5345.
Molecular consequence: inframe deletion.
Genome position (GRCh38, 1-based): chr1:186,178,507-186,178,509, ACA deleted; deleting any 3 consecutive bases within chr1:186,178,504-186,178,509 gives the same sequence; the position shown is the placement nearest the transcript's 3' end. VCF-style (leftmost placement, unchanged base first): chr1-186178503-GACA-G. GRCh37 (hg19) VCF-style: chr1-186147635-GACA-G.
Other names: short protein forms Q5345del.
Identifiers: ClinVar variation 294302 (VCV000294302.10), dbSNP rs780673178, ClinGen allele CA1295465.

ClinVar aggregate classification (germline): Uncertain significance. Review status: criteria provided, multiple submitters, no conflicts (2 of 4 stars). 2 submissions from 2 submitters: Uncertain significance (2). Last evaluated 2024-11-11.

Conditions:
Age related macular degeneration 1 (ARMD1). Also called: MACULOPATHY, AGE-RELATED, 1. Identifiers: MedGen C1864205, MONDO:0011285, OMIM 603075.

Submissions (2):

Labcorp Genetics (formerly Invitae), Labcorp
Classification: Uncertain significance. Last evaluated: 2024-11-11. Review status: criteria provided, single submitter. Criteria: Invitae Variant Classification Sherloc (09022015). Collection method: clinical testing. Allele origin: germline.
Comment: This variant, c.16035_16037del, results in the deletion of 1 amino acid(s) of the HMCN1 protein (p.Gln5345del), but otherwise preserves the integrity of the reading frame. This variant is present in population databases (rs780673178, gnomAD 0.07%). This variant has not been reported in the literature in individuals affected with HMCN1-related conditions. Experimental studies and prediction algorithms are not available or were not evaluated, and the functional significance of this variant is currently unknown. In summary, the available evidence is currently insufficient to determine the role of this variant in disease. Therefore, it has been classified as a Variant of Uncertain Significance.

Genome-Nilou Lab
Classification: Uncertain significance for Age related macular degeneration 1. Last evaluated: 2023-04-11. Review status: criteria provided, single submitter. Criteria: ACMG Guidelines, 2015. Collection method: clinical testing. Allele origin: germline. Affected: no.